The following is an entry in ClinVar:

ClinVar aggregate classification (germline): Uncertain significance (1 of 4 stars; one submission).

Conditions:
Pitt-Hopkins-like syndrome 2 (PTHSL2). Identifiers: Orphanet 221150, Orphanet 600663, MedGen C3280479, MONDO:0013690, OMIM 614325.

Submission:

Labcorp Genetics (formerly Invitae), Labcorp
Classification: Uncertain significance for Pitt-Hopkins-like syndrome 2. Last evaluated: 2021-05-01. Review status: criteria provided, single submitter. Criteria: Invitae Variant Classification Sherloc (09022015). Collection method: clinical testing. Allele origin: germline.
Comment: In summary, the available evidence is currently insufficient to determine the role of this variant in disease. Therefore, it has been classified as a Variant of Uncertain Significance. Experimental studies and prediction algorithms are not available or were not evaluated, and the functional significance of this variant is currently unknown. This variant has not been reported in the literature in individuals with NRXN1-related conditions. This variant is a gross deletion of the genomic region encompassing exon(s) 20-22 of the NRXN1 gene. This variant would be expected to be in-frame, preserving the integrity of the reading frame.

NC_000002.11:g.(?_50280389)_(50318652_?)del

Gene: NRXN1 (neurexin 1; minus strand). Cytogenetic location: 2p16.3.
Variant type: Deletion.
Identifiers: ClinVar variation 1410222 (VCV001410222.6).